The following is an entry in ClinVar:

ClinVar aggregate classification (germline): Uncertain significance (1 of 4 stars; one submission).

gnomAD v4.1: 45 of 1,614,030 alleles (0.0028%); highest among the groups gnomAD compares: Non-Finnish European, 0.0035%; no homozygotes.

Submission:

Labcorp Genetics (formerly Invitae), Labcorp
Classification: Uncertain significance. Last evaluated: 2022-09-30. Review status: criteria provided, single submitter. Criteria: Invitae Variant Classification Sherloc (09022015). Collection method: clinical testing. Allele origin: germline.
Comment: This sequence change replaces arginine, which is basic and polar, with leucine, which is neutral and non-polar, at codon 1303 of the ERCC6 protein (p.Arg1303Leu). This variant is present in population databases (rs767621835, gnomAD 0.003%). This variant has not been reported in the literature in individuals affected with ERCC6-related conditions. Advanced modeling of protein sequence and biophysical properties (such as structural, functional, and spatial information, amino acid conservation, physicochemical variation, residue mobility, and thermodynamic stability) performed at Invitae indicates that this missense variant is not expected to disrupt ERCC6 protein function. In summary, the available evidence is currently insufficient to determine the role of this variant in disease. Therefore, it has been classified as a Variant of Uncertain Significance.

NM_000124.4(ERCC6):c.3908G>T (p.Arg1303Leu)

Gene: ERCC6 (ERCC excision repair 6, chromatin remodeling factor; minus strand). Cytogenetic location: 10q11.23.
Variant type: single nucleotide variant.
Coding change: c.3908G>T on transcript NM_000124.4 (MANE Select); coding-DNA position 3908, G replaced by T.
Protein change: p.Arg1303Leu; replaces arginine 1303 with leucine.
Molecular consequence: missense variant.
Genome position (GRCh38, 1-based): chr10:49,461,427, C>A on the plus strand (G>T on the coding strand, the complement: ERCC6 is on the minus strand). VCF-style: chr10-49461427-C-A. GRCh37 (hg19) VCF-style: chr10-50669473-C-A.
Other names: c.3908G>T, p.Arg1303Leu (NM_001346440.2); short protein forms R1303L.
Identifiers: ClinVar variation 2174280 (VCV002174280.1), dbSNP rs767621835, ClinGen allele CA5495233.